The following is an entry in ClinVar:

ClinVar aggregate classification (germline): Uncertain significance. Review status: criteria provided, multiple submitters, no conflicts (2 of 4 stars). 2 submissions from 2 submitters: Uncertain significance (2). Last evaluated 2025-02-03.

Conditions:
Sponastrime dysplasia. Also called: SPONDYLAR AND NASAL ALTERATIONS WITH STRIATED METAPHYSES. Identifiers: Orphanet 93357, MedGen C1300260, MONDO:0010068, OMIM 271510.
Inborn genetic diseases. Identifiers: MedGen C0950123, MeSH D030342.

Allele frequency attached by ClinVar (database versions not stated): gnomAD exomes 0.00004 and 0.00021; ExAC 0.00007; gnomAD 0.00016; TOPMed 0.00025.
gnomAD v4.1: 84 of 1,561,742 alleles (0.0054%); highest among the groups gnomAD compares: Admixed American, 0.095%; no homozygotes.

Submissions (2):

Labcorp Genetics (formerly Invitae), Labcorp
Classification: Uncertain significance. Last evaluated: 2025-02-03. Review status: criteria provided, single submitter. Criteria: Invitae Variant Classification Sherloc (09022015). Collection method: clinical testing. Allele origin: germline.
Comment: This sequence change replaces arginine, which is basic and polar, with tryptophan, which is neutral and slightly polar, at codon 768 of the TONSL protein (p.Arg768Trp). This variant is present in population databases (rs747619822, gnomAD 0.1%). This variant has not been reported in the literature in individuals affected with TONSL-related conditions. ClinVar contains an entry for this variant (Variation ID: 1177493). Invitae Evidence Modeling of protein sequence and biophysical properties (such as structural, functional, and spatial information, amino acid conservation, physicochemical variation, residue mobility, and thermodynamic stability) has been performed for this missense variant. However, the output from this modeling did not meet the statistical confidence thresholds required to predict the impact of this variant on TONSL protein function. In summary, the available evidence is currently insufficient to determine the role of this variant in disease. Therefore, it has been classified as a Variant of Uncertain Significance.

Ambry Genetics
Classification: Uncertain significance for Inborn genetic diseases. Last evaluated: 2024-03-07. Review status: criteria provided, single submitter. Criteria: Ambry Variant Classification Scheme 2023. Collection method: clinical testing. Allele origin: germline.

NM_013432.5(TONSL):c.2302C>T (p.Arg768Trp)

Genes: TONSL (tonsoku like, DNA repair protein; minus strand), TONSL-AS1 (TONSL antisense RNA 1; plus strand). Cytogenetic location: 8q24.3.
Variant type: single nucleotide variant.
Coding change: c.2302C>T on transcript NM_013432.5 (MANE Select); coding-DNA position 2302, C replaced by T.
Protein change: p.Arg768Trp; replaces arginine 768 with tryptophan.
Molecular consequence: missense variant.
Genome position (GRCh38, 1-based): chr8:144,436,131, G>A on the plus strand (C>T on the coding strand, the complement: TONSL is on the minus strand). VCF-style: chr8-144436131-G-A. GRCh37 (hg19) VCF-style: chr8-145661514-G-A.
Other names: short protein forms R768W.
Identifiers: ClinVar variation 1177493 (VCV001177493.7), dbSNP rs747619822, ClinGen allele CA4942858.